The following is an entry in ClinVar:

ClinVar aggregate classification (germline): Uncertain significance. Review status: criteria provided, multiple submitters, no conflicts (2 of 4 stars). 2 submissions from 2 submitters: Uncertain significance (2). Last evaluated 2025-09-24.

Conditions:
Hereditary diffuse gastric adenocarcinoma (HDGC). Also called: DIFFUSE GASTRIC AND LOBULAR BREAST CANCER SYNDROME. Identifiers: Orphanet 26106, MedGen C1708349, MONDO:0007648, OMIM 137215.
Hereditary cancer-predisposing syndrome. Also called: Neoplastic Syndromes, Hereditary; Tumor predisposition; Hereditary neoplastic syndrome; Hereditary Cancer Syndrome. Identifiers: Orphanet 140162, MedGen C0027672, MeSH D009386, MONDO:0015356.

Submissions (2):

Labcorp Genetics (formerly Invitae), Labcorp
Classification: Uncertain significance for Hereditary diffuse gastric adenocarcinoma. Last evaluated: 2025-09-24. Review status: criteria provided, single submitter. Criteria: Invitae Variant Classification Sherloc (09022015). Collection method: clinical testing. Allele origin: germline.
Comment: This sequence change replaces leucine, which is neutral and non-polar, with phenylalanine, which is neutral and non-polar, at codon 798 of the CDH1 protein (p.Leu798Phe). This variant is not present in population databases (gnomAD no frequency). This variant has not been reported in the literature in individuals affected with CDH1-related conditions. ClinVar contains an entry for this variant (Variation ID: 1790579). An algorithm developed to predict the effect of missense changes on protein structure and function (PolyPhen-2) suggests that this variant is likely to be disruptive. In summary, the available evidence is currently insufficient to determine the role of this variant in disease. Therefore, it has been classified as a Variant of Uncertain Significance.

Ambry Genetics
Classification: Uncertain significance for Hereditary cancer-predisposing syndrome. Last evaluated: 2025-05-29. Review status: criteria provided, single submitter. Criteria: Ambry Variant Classification Scheme 2023. Collection method: clinical testing. Allele origin: germline.
Comment: The p.L798F variant (also known as c.2392C>T), located in coding exon 15 of the CDH1 gene, results from a C to T substitution at nucleotide position 2392. The leucine at codon 798 is replaced by phenylalanine, an amino acid with highly similar properties. This amino acid position is poorly conserved in available vertebrate species. In addition, this alteration is predicted to be tolerated by in silico analysis. Since supporting evidence is limited at this time, the clinical significance of this alteration remains unclear.

NM_004360.5(CDH1):c.2392C>T (p.Leu798Phe)

Gene: CDH1 (cadherin 1; plus strand). Cytogenetic location: 16q22.1.
Variant type: single nucleotide variant.
Coding change: c.2392C>T on transcript NM_004360.5 (MANE Select); coding-DNA position 2392, C replaced by T.
Protein change: p.Leu798Phe; replaces leucine 798 with phenylalanine.
Molecular consequence: missense variant.
Genome position (GRCh38, 1-based): chr16:68,829,750, C>T. VCF-style: chr16-68829750-C-T. GRCh37 (hg19) VCF-style: chr16-68863653-C-T.
Other names: c.2209C>T, p.Leu737Phe (NM_001317184.2); c.844C>T, p.Leu282Phe (NM_001317185.2); c.427C>T, p.Leu143Phe (NM_001317186.2); short protein forms L143F, L282F, L737F, L798F.
Identifiers: ClinVar variation 1790579 (VCV001790579.6), dbSNP rs2152142395, ClinGen allele CA396471185.